The following is an entry in ClinVar:

ClinVar aggregate classification (germline): Uncertain significance. Review status: criteria provided, multiple submitters, no conflicts (2 of 4 stars). 2 submissions from 2 submitters: Uncertain significance (2). Last evaluated 2024-04-29.

Conditions:
Fanconi anemia complementation group P. Also called: SLX4-Related Fanconi Anemia. Identifiers: Orphanet 84, MedGen C3469542, MONDO:0013499, OMIM 613951.
Fanconi anemia (FA). Also called: Fanconi's anemia. Identifiers: Orphanet 84, MedGen C0015625, MeSH D005199, MONDO:0019391.

gnomAD v4.1: 10 of 1,613,436 alleles (0.00062%); highest among the groups gnomAD compares: South Asian, 0.0099%; no homozygotes.

Submissions (2):

Fulgent Genetics
Classification: Uncertain significance for Fanconi anemia complementation group P. Last evaluated: 2024-04-29. Review status: criteria provided, single submitter. Criteria: ACMG Guidelines, 2015. Collection method: clinical testing. Allele origin: germline.

Labcorp Genetics (formerly Invitae), Labcorp
Classification: Uncertain significance for Fanconi anemia. Last evaluated: 2020-02-21. Review status: criteria provided, single submitter. Criteria: Invitae Variant Classification Sherloc (09022015). Collection method: clinical testing. Allele origin: germline.
Comment: This sequence change replaces histidine with tyrosine at codon 1290 of the SLX4 protein (p.His1290Tyr). The histidine residue is weakly conserved and there is a moderate physicochemical difference between histidine and tyrosine. This variant is present in population databases (rs112596894, ExAC 0.006%). This variant has not been reported in the literature in individuals with SLX4-related conditions. Algorithms developed to predict the effect of missense changes on protein structure and function (SIFT, PolyPhen-2, Align-GVGD) all suggest that this variant is likely to be tolerated, but these predictions have not been confirmed by published functional studies and their clinical significance is uncertain. In summary, the available evidence is currently insufficient to determine the role of this variant in disease. Therefore, it has been classified as a Variant of Uncertain Significance.

NM_032444.4(SLX4):c.3868C>T (p.His1290Tyr)

Gene: SLX4 (SLX4 structure-specific endonuclease subunit; minus strand). Cytogenetic location: 16p13.3.
Variant type: single nucleotide variant.
Coding change: c.3868C>T on transcript NM_032444.4 (MANE Select); coding-DNA position 3868, C replaced by T.
Protein change: p.His1290Tyr; replaces histidine 1290 with tyrosine.
Molecular consequence: missense variant.
Genome position (GRCh38, 1-based): chr16:3,589,770, G>A on the plus strand (C>T on the coding strand, the complement: SLX4 is on the minus strand). VCF-style: chr16-3589770-G-A. GRCh37 (hg19) VCF-style: chr16-3639771-G-A.
Other names: short protein forms H1290Y.
Identifiers: ClinVar variation 1009363 (VCV001009363.9), dbSNP rs112596894, ClinGen allele CA7865805.
Genomic context (GRCh38, chr16:3,589,770, plus strand): 5'-CAGAAAACTTCTGTGCGACTTCGTTCCCTTCCCTGTTTCCTACTGAGGCCCTGGGCGTGT[G>A]CTGAGTCACCGCCTGCACGGCCAGCCCGCTCCTGAGGCTGCTGATTTGGGTCTGGGAAGA-3'
Protein context (NP_115820.2, residues 1280-1300): SGLAVQAVTQ[His1290Tyr]TPRASVGNRE